The following is an entry in ClinVar:

ClinVar aggregate classification (germline): Benign. Review status: criteria provided, multiple submitters, no conflicts (2 of 4 stars). 4 submissions from 2 submitters: Benign (4). Last evaluated 2018-01-13.

Conditions:
TP63-Related Spectrum Disorders.
Orofacial cleft 8. Also called: Cleft lip with or without cleft palate, nonsyndromic, 8. Identifiers: MedGen C1851878, MONDO:0029145, OMIM 618149.
Ectrodactyly, ectodermal dysplasia, and cleft lip-palate syndrome 3. Also called: Ectrodactyly, Ectodermal Dysplasia, Clefting Syndrome; EEC SYNDROME 3; Ectrodactyly, Ectodermal Dysplasia, Clefting Syndrome Type 3 (EEC3); Ectrodactyly, Ectodermal Dysplasia, Cleft Lip/Palate Syndrome 3 (EEC3). Identifiers: Orphanet 1896, MedGen C1858562, MONDO:0011428, OMIM 604292.

Allele frequency attached by ClinVar (database versions not stated): gnomAD exomes 0.06805; 1000 Genomes Project 0.07867; 1000 Genomes Project 30x 0.08026; gnomAD 0.09071 and 0.09298; TOPMed 0.09170.
gnomAD v4.1: 18,407 of 220,162 alleles (8.4%); highest among the groups gnomAD compares: African/African-American, 14%; 927 homozygotes.

Submissions (4):

Illumina Laboratory Services, Illumina
Classification: Benign for Orofacial cleft 8. Last evaluated: 2018-01-13. Review status: criteria provided, single submitter. Criteria: ICSL Variant Classification Criteria 13 December 2019. Collection method: clinical testing. Allele origin: germline.
Comment: This variant was observed in the ICSL laboratory as part of a predisposition screen in an ostensibly healthy population. It had not been previously curated by ICSL or reported in the Human Gene Mutation Database (HGMD: prior to June 1st, 2018), and was therefore a candidate for classification through an automated scoring system. Utilizing variant allele frequency, disease prevalence and penetrance estimates, and inheritance mode, an automated score was calculated to assess if this variant is too frequent to cause the disease. Based on the score and internal cut-off values, a variant classified as benign is not then subjected to further curation. The score for this variant resulted in a classification of benign for this disease.

Illumina Laboratory Services, Illumina
Classification: Benign for Ectrodactyly, ectodermal dysplasia, and cleft lip-palate syndrome 3. Last evaluated: 2018-01-13. Review status: criteria provided, single submitter. Criteria: ICSL Variant Classification Criteria 13 December 2019. Collection method: clinical testing. Allele origin: germline.
Comment: the same text as in the submission from Illumina Laboratory Services, Illumina above.

Illumina Laboratory Services, Illumina
Classification: Benign for TP63-Related Spectrum Disorders. Last evaluated: 2018-01-13. Review status: criteria provided, single submitter. Criteria: ICSL Variant Classification Criteria 13 December 2019. Collection method: clinical testing. Allele origin: germline.
Comment: the same text as in the submission from Illumina Laboratory Services, Illumina above.

Breakthrough Genomics
Classification: Benign. Review status: criteria provided, single submitter. Criteria: ACMG Guidelines, 2015. Collection method: not provided. Allele origin: germline. Inheritance: Autosomal dominant inheritance. Affected: yes.

NM_003722.5(TP63):c.*541G>A

Gene: TP63 (tumor protein p63; plus strand). Cytogenetic location: 3q28.
Variant type: single nucleotide variant.
Coding change: c.*541G>A on transcript NM_003722.5 (MANE Select); 541 bases downstream of the stop codon, G replaced by A.
Molecular consequence: 3 prime UTR variant.
Genome position (GRCh38, 1-based): chr3:189,895,043, G>A. VCF-style: chr3-189895043-G-A. GRCh37 (hg19) VCF-style: chr3-189612832-G-A.
Other names: c.*822G>A (NM_001114978.2, NM_001114981.2); c.*541G>A (NM_001114980.2, NM_001329146.2, NM_001329148.2 and 1 more transcripts); c.*812G>A (NM_001329144.2, NM_001329145.2, NM_001329149.2 and 1 more transcripts).
Identifiers: ClinVar variation 344401 (VCV000344401.7), dbSNP rs73199799, ClinGen allele CA10618222.